The following is an entry in ClinVar:

NM_001197104.2(KMT2A):c.3154C>G (p.Gln1052Glu)

Gene: KMT2A (lysine methyltransferase 2A; plus strand). Cytogenetic location: 11q23.3.
Variant type: single nucleotide variant.
Coding change: c.3154C>G on transcript NM_001197104.2 (MANE Select); coding-DNA position 3154, C replaced by G.
Protein change: p.Gln1052Glu; replaces glutamine 1052 with glutamic acid.
Molecular consequence: missense variant.
Genome position (GRCh38, 1-based): chr11:118,474,313, C>G. VCF-style: chr11-118474313-C-G. GRCh37 (hg19) VCF-style: chr11-118345028-C-G.
Other names: c.3253C>G, p.Gln1085Glu (NM_001412597.1); c.3154C>G, p.Gln1052Glu (NM_005933.4); short protein forms Q1052E, Q1085E.
Identifiers: ClinVar variation 4976227 (VCV004976227.1).

ClinVar aggregate classification (germline): Uncertain significance (1 of 4 stars; one submission).

Submission:

GeneDx
Classification: Uncertain significance. Last evaluated: 2026-02-15. Review status: criteria provided, single submitter. Criteria: GeneDx Variant Classification Process June 2021. Collection method: clinical testing. Allele origin: germline.
Comment: Not observed at significant frequency in large population cohorts (gnomAD); In silico analysis suggests that this missense variant does not alter protein structure/function; Has not been previously published as pathogenic or benign to our knowledge